The following is an entry in ClinVar:

ClinVar aggregate classification (germline): Likely pathogenic (1 of 4 stars; one submission).

Conditions:
Coffin-Siris syndrome 1 (CSS1). Also called: Mental retardation, autosomal dominant 12; ARID1B-Related Coffin-Siris Syndrome. Identifiers: Orphanet 1465, MedGen C3281201, MONDO:0007617, OMIM 135900. Disease mechanism: gain of function.

Submission:

Broad Center for Mendelian Genomics, Broad Institute of MIT and Harvard
Classification: Likely pathogenic for Coffin-Siris syndrome 1. Last evaluated: 2023-05-02. Review status: criteria provided, single submitter. Criteria: ACMG Guidelines, 2015. Collection method: curation. Allele origin: germline. Inheritance: Autosomal dominant inheritance.
Comment: Trio exome analysis showed this variant to be de novo. The p.Lys1997ArgfsTer4 variant in ARID1B has not been previously reported in individuals with Coffin-Siris syndrome 1. This variant was absent from large population studies. This variant is predicted to cause a frameshift, which alters the protein‚Äôs amino acid sequence beginning at position 1902 and leads to a premature termination codon 1 amino acids downstream. This termination codon occurs within the last exon and is more likely to escape nonsense mediated decay (NMD) and result in a truncated protein. Heterozygous loss of function of the ARID1B gene is an established disease mechanism in autosomal dominant Coffin-Siris syndrome 1. In summary, although additional studies are required to fully establish its clinical significance, this variant is likely pathogenic for autosomal dominant Coffin-Siris syndrome 1. ACMG/AMP Criteria applied: PVS1_Strong, PS2_Supporting, PM2_Supporting (Richards 2015).

NM_001374828.1(ARID1B):c.6359_6360del (p.Lys2120fs)

Gene: ARID1B (AT-rich interaction domain 1B; plus strand). Cytogenetic location: 6q25.3.
Variant type: Deletion.
Coding change: c.6359_6360del on transcript NM_001374828.1 (MANE Select); coding-DNA positions 6359 to 6360, 2 bases deleted (AA; older notation c.6359_6360delAA).
Protein change: p.Lys2120fs; shifts the reading frame from lysine 2120.
Molecular consequence: frameshift variant.
Genome position (GRCh38, 1-based): chr6:157,207,131-157,207,132, AA deleted; deleting any 2 consecutive bases within chr6:157,207,130-157,207,132 gives the same sequence; the c. name uses the placement nearest the transcript's 3' end. VCF-style (leftmost placement, unchanged base first): chr6-157207129-GAA-G. GRCh37 (hg19) VCF-style: chr6-157528263-GAA-G.
Other names: NM_017519.3:c.6200_6201del; c.6110_6111delAA, p.Lys2037Argfs (NM_001346813.1); c.3860_3861del, p.Lys1287fs (NM_001363725.2); c.6239_6240del, p.Lys2080fs (NM_001371656.1, NM_001374820.1); c.6200_6201del, p.Lys2067fs (NM_017519.3); c.5990_5991delAA, p.Lys1997Argfs (NM_020732.3); c.5777_5778delAA, p.Lys1926Argfs (NM_175863.2); short protein forms K1287fs, K2067fs, K2080fs, K2120fs.
Identifiers: ClinVar variation 2500911 (VCV002500911.1), dbSNP rs2538781228, ClinGen allele CA2573335143.
Genomic context (GRCh38, chr6:157,207,129, plus strand): 5'-GAAGCTGATTCTTCTTCACCACGAGCATCCAGAGAGAAAGCGAGCACCGCAGACCTATGA[GAA>G]AGAGGAGGATGAGGACAAGGGGGTGGCCTGCAGCAAAGATGAGTGGTGGTGGGACTGCCT-3'